The following is an entry in ClinVar:

ClinVar aggregate classification (germline): Conflicting classifications of pathogenicity. Review status: criteria provided, conflicting classifications (1 of 4 stars). 6 submissions from 6 submitters: Uncertain significance (1); Benign (1); Likely benign (4). Last evaluated 2025-11-11.

Conditions:
Hereditary cancer-predisposing syndrome. Also called: Hereditary Cancer Syndrome; Hereditary neoplastic syndrome; Neoplastic Syndromes, Hereditary; Tumor predisposition. Identifiers: Orphanet 140162, MedGen C0027672, MeSH D009386, MONDO:0015356.
Familial adenomatous polyposis 1 (FAP1). Also called: POLYPOSIS, ADENOMATOUS INTESTINAL; FAMILIAL ADENOMATOUS POLYPOSIS 1, ATTENUATED. Identifiers: MedGen C2713442, MONDO:0021056, OMIM 175100. Disease mechanism: loss of function.
Classic or attenuated familial adenomatous polyposis. Identifiers: MedGen CN372698, MONDO:0021057.
APC-Associated Polyposis Disorders.

gnomAD v4.1: 1 of 1,602,326 alleles (0.000062%); highest among the groups gnomAD compares: Non-Finnish European, 0.000085%; no homozygotes.

Submissions (6):

Labcorp Genetics (formerly Invitae), Labcorp
Classification: Likely benign for Familial adenomatous polyposis 1. Last evaluated: 2025-11-11. Review status: criteria provided, single submitter. Criteria: Invitae Variant Classification Sherloc (09022015). Collection method: clinical testing. Allele origin: germline.

Myriad Genetics, Inc.
Classification: Benign for Familial adenomatous polyposis 1. Last evaluated: 2024-04-16. Review status: criteria provided, single submitter. Criteria: Myriad Autosomal Dominant, Autosomal Recessive and X-Linked Classification Criteria (2023). Collection method: clinical testing. Allele origin: unknown.
Comment: This variant is considered benign. This variant is a silent/synonymous amino acid change and it is not expected to impact splicing.

All of Us Research Program, National Institutes of Health
Classification: Likely benign for Classic or attenuated familial adenomatous polyposis. Last evaluated: 2023-09-17. Review status: criteria provided, single submitter. Criteria: ACMG Guidelines, 2015. Collection method: clinical testing. Allele origin: germline. Inheritance: Autosomal dominant inheritance. Observed: 1 variant allele, 1 heterozygote.
Comment: This study involves interpretation of variants in research participants for the purpose of population health screening. Participant phenotype was not available at the time of variant classification. Additional details can be found in publication PMID: 35346344, PMCID: PMC8962531

Color Diagnostics, LLC DBA Color Health
Classification: Likely benign for Hereditary cancer-predisposing syndrome. Last evaluated: 2023-09-13. Review status: criteria provided, single submitter. Criteria: ACMG Guidelines, 2015. Collection method: clinical testing. Allele origin: germline.

Ambry Genetics
Classification: Likely benign for Hereditary cancer-predisposing syndrome. Last evaluated: 2020-03-14. Review status: criteria provided, single submitter. Criteria: Ambry Variant Classification Scheme 2023. Collection method: clinical testing. Allele origin: germline.

Illumina Laboratory Services, Illumina
Classification: Uncertain significance for APC-Associated Polyposis Disorders. Last evaluated: 2018-01-13. Review status: criteria provided, single submitter. Criteria: ICSL Variant Classification Criteria 13 December 2019. Collection method: clinical testing. Allele origin: germline.

NM_000038.6(APC):c.8454C>T (p.Ser2818=)

Gene: APC (APC regulator of Wnt signaling pathway; plus strand). Cytogenetic location: 5q22.2.
Variant type: single nucleotide variant.
Coding change: c.8454C>T on transcript NM_000038.6 (MANE Select); coding-DNA position 8454, C replaced by T.
Protein change: p.Ser2818=; no amino-acid change (serine 2818 retained).
Molecular consequence: synonymous variant.
Genome position (GRCh38, 1-based): chr5:112,844,048, C>T. VCF-style: chr5-112844048-C-T. GRCh37 (hg19) VCF-style: chr5-112179745-C-T.
Other names: c.8454C>T, p.Ser2818= (NM_001127510.3, NM_001354895.2); c.8400C>T, p.Ser2800= (NM_001127511.3); c.8508C>T, p.Ser2836= (NM_001354896.2); c.8484C>T, p.Ser2828= (NM_001354897.2); c.8379C>T, p.Ser2793= (NM_001354898.2); c.8370C>T, p.Ser2790= (NM_001354899.2); c.8331C>T, p.Ser2777= (NM_001354900.2); c.8277C>T, p.Ser2759= (NM_001354901.2); and 5 more.
Identifiers: ClinVar variation 907478 (VCV000907478.19), dbSNP rs1766752417, ClinGen allele CA446211404.